The following is an entry in ClinVar:

NM_001111125.3(IQSEC2):c.2342T>G (p.Leu781Arg)

Gene: IQSEC2 (IQ motif and Sec7 domain ArfGEF 2; minus strand). Cytogenetic location: Xp11.22.
Variant type: single nucleotide variant.
Coding change: c.2342T>G on transcript NM_001111125.3 (MANE Select); coding-DNA position 2342, T replaced by G.
Protein change: p.Leu781Arg; replaces leucine 781 with arginine.
Molecular consequence: missense variant.
Genome position (GRCh38, 1-based): chrX:53,248,838, A>C on the plus strand (T>G on the coding strand, the complement: IQSEC2 is on the minus strand). VCF-style: chrX-53248838-A-C. GRCh37 (hg19) VCF-style: chrX-53278020-A-C.
Other names: c.2342T>G, p.Leu781Arg (NM_001410736.1); c.1727T>G, p.Leu576Arg (NM_015075.2); short protein forms L576R, L781R.
Identifiers: ClinVar variation 3255173 (VCV003255173.1), dbSNP rs2074344245.

ClinVar aggregate classification (germline): Likely pathogenic (1 of 4 stars; one submission).

Conditions:
Intellectual developmental disorder, X-linked 1. Also called: Atkin Flaitz Patil Smith syndrome; MENTAL RETARDATION, X-LINKED 18; MENTAL RETARDATION, X-LINKED 78; Intellectual disability, X-linked 1. Identifiers: Orphanet 777, MedGen C2931498, MONDO:0010656, OMIM 309530.

Submission:

Victorian Clinical Genetics Services, Murdoch Childrens Research Institute
Classification: Likely pathogenic for Intellectual developmental disorder, X-linked 1. Last evaluated: 2020-05-21. Review status: criteria provided, single submitter. Criteria: ACMG Guidelines, 2015. Collection method: clinical testing. Allele origin: germline. Inheritance: X-linked dominant inheritance. Affected: yes.
Comment: A hemizygous missense variant was identified, NM_001111125.2(IQSEC2):c.2342T>G in exon 6 of 15 of the IQSEC2 gene. This substitution is predicted to create a major amino acid change from leucine to arginine at position 781 of the protein, NP_001104595.1(IQSEC2):p.(Leu781Arg). The leucine at this position has moderate conservation (100 vertebrates, UCSC) and is located within the Sec7 domain. In silico software predicts this variant to be disease causing (Polyphen, SIFT, CADD, Mutation Taster). The variant is not present in the gnomAD population database and is located within a region of high missense constraint (Decipher). It has not been previously reported in clinical cases. Subsequent analysis of a maternal sample indicated this variant is due to a de novo event. Based on information available at the time of curation, this variant has been classified as LIKELY PATHOGENIC. NB: This variant has been reclassified as LIKELY PATHOGENIC due to de novo status. Legend: (P) - Pathogenic, (N) - Neutral, (B) - Benign